The following is an entry in ClinVar:

ClinVar aggregate classification (germline): Uncertain significance. Review status: criteria provided, multiple submitters, no conflicts (2 of 4 stars). 2 submissions from 2 submitters: Uncertain significance (2). Last evaluated 2024-06-21.

Conditions:
Hereditary cancer-predisposing syndrome. Also called: Tumor predisposition; Hereditary neoplastic syndrome; Hereditary Cancer Syndrome; Neoplastic Syndromes, Hereditary. Identifiers: Orphanet 140162, MedGen C0027672, MeSH D009386, MONDO:0015356.

Submissions (2):

Ambry Genetics
Classification: Uncertain significance for Hereditary cancer-predisposing syndrome. Last evaluated: 2024-06-21. Review status: criteria provided, single submitter. Criteria: Ambry Variant Classification Scheme 2023. Collection method: clinical testing. Allele origin: germline.
Comment: The p.L266P variant (also known as c.797T>C), located in coding exon 7 of the PMS2 gene, results from a T to C substitution at nucleotide position 797. The leucine at codon 266 is replaced by proline, an amino acid with similar properties. This amino acid position is conserved. In addition, the in silico prediction for this alteration is inconclusive. Based on the available evidence, the clinical significance of this variant remains unclear.

Color Diagnostics, LLC DBA Color Health
Classification: Uncertain significance for Hereditary cancer-predisposing syndrome. Last evaluated: 2021-02-13. Review status: criteria provided, single submitter. Criteria: ACMG Guidelines, 2015. Collection method: clinical testing. Allele origin: germline.
Comment: This missense variant replaces leucine with proline at codon 266 of the PMS2 protein. Computational prediction suggests that this variant may not impact protein structure and function (internally defined REVEL score threshold <= 0.5, PMID: 27666373). To our knowledge, functional studies have not been reported for this variant. This variant has not been reported in individuals affected with hereditary cancer in the literature. This variant has not been identified in the general population by the Genome Aggregation Database (gnomAD). The available evidence is insufficient to determine the role of this variant in disease conclusively. Therefore, this variant is classified as a Variant of Uncertain Significance.

NM_000535.7(PMS2):c.797T>C (p.Leu266Pro)

Gene: PMS2 (PMS1 homolog 2, mismatch repair system component; minus strand). Cytogenetic location: 7p22.1.
Variant type: single nucleotide variant.
Coding change: c.797T>C on transcript NM_000535.7 (MANE Select); coding-DNA position 797, T replaced by C.
Protein change: p.Leu266Pro; replaces leucine 266 with proline.
Molecular consequence: missense variant. On other transcripts: non-coding transcript variant (1), 5 prime UTR variant (2).
Genome position (GRCh38, 1-based): chr7:5,997,332, A>G on the plus strand (T>C on the coding strand, the complement: PMS2 is on the minus strand). VCF-style: chr7-5997332-A-G. GRCh37 (hg19) VCF-style: chr7-6036963-A-G.
Other names: c.224T>C, p.Leu75Pro (NM_001322013.2); c.797T>C, p.Leu266Pro (NM_001322014.2, NM_001322006.2); c.488T>C, p.Leu163Pro (NM_001322015.2); c.797T>C (NM_000535.5); c.392T>C, p.Leu131Pro (NM_001322003.2, NM_001322004.2, NM_001322005.2 and 2 more transcripts); c.479T>C, p.Leu160Pro (NM_001322007.2, NM_001322008.2); c.-137T>C (NM_001322011.2, NM_001322012.2); short protein forms L131P, L160P, L163P, L266P, L75P.
Identifiers: ClinVar variation 1172216 (VCV001172216.3), dbSNP rs2128786412, ClinGen allele CA366743613.
Genomic context (GRCh38, chr7:5,997,332, plus strand): 5'-AAGCTCTCAGGATAAAATGTTCAATTGTAGTTCTCTTGCCAGCAATCTACTTACTAAAAA[A>G]GATTATGCAGAGCATCGGAACAGCTCAAACCGTACTCTTCACACACGGAGTCACTAGGGG-3'
Protein context (NP_000526.2, residues 256-276): GLSCSDALHN[Leu266Pro]FYISGFISQC